The following is an entry in ClinVar:

NM_014698.3(TMEM63A):c.1382C>G (p.Pro461Arg)

Gene: TMEM63A (transmembrane protein 63A; minus strand). Cytogenetic location: 1q42.12.
Variant type: single nucleotide variant.
Coding change: c.1382C>G on transcript NM_014698.3 (MANE Select); coding-DNA position 1382, C replaced by G.
Protein change: p.Pro461Arg; replaces proline 461 with arginine.
Molecular consequence: missense variant.
Genome position (GRCh38, 1-based): chr1:225,857,013, G>C on the plus strand (C>G on the coding strand, the complement: TMEM63A is on the minus strand). VCF-style: chr1-225857013-G-C. GRCh37 (hg19) VCF-style: chr1-226044713-G-C.
Other names: short protein forms P461R.
Identifiers: ClinVar variation 4759457 (VCV004759457.1).

ClinVar aggregate classification (germline): Uncertain significance (1 of 4 stars; one submission).

Conditions:
Leukodystrophy, hypomyelinating, 19, transient infantile. Identifiers: MedGen C5231463, MONDO:0032871, OMIM 618688.

Submission:

Illumina Laboratory Services, Illumina
Classification: Uncertain significance for Leukodystrophy, hypomyelinating, 19, transient infantile. Last evaluated: 2023-12-01. Review status: criteria provided, single submitter. Criteria: ISL SNV Classification Criteria 03 February 2026. Collection method: clinical testing. Allele origin: unknown.
Comment: The TMEM63A c.1382C>G p.(Pro461Arg) missense variant has not, to our knowledge, been reported in the peer-reviewed literature. This variant is not observed in version 2.1.1 or version 4.0.0 of the Genome Aggregation Database. This variant is located in the pore-lining transmembrane helices, a region of the protein in which other missense variants have been reported in individuals with hypomyelinating leukodystrophy (PMID: 30382939; 34598833). Based on the available evidence, the c.1382C>G, p.(Pro461Arg) variant is classified as a variant of uncertain significance for hypomyelinating leukodystrophy.

Literature cited by the submitters: PubMed 30382939; PubMed 34598833.